The following is an entry in ClinVar:

ClinVar aggregate classification (germline): Likely benign. Review status: criteria provided, multiple submitters, no conflicts (2 of 4 stars). 5 submissions from 5 submitters: Likely benign (5). Last evaluated 2025-07-09.

Conditions:
Hereditary breast ovarian cancer syndrome. Also called: Breast and ovarian cancer; Hereditary breast and ovarian cancer; Hereditary breast and/or ovarian cancer syndrome; BRCA1- and BRCA2-Associated Hereditary Breast and Ovarian Cancer; Hereditary breast and ovarian cancer syndrome (HBOC); Hereditary breast and ovarian cancer syndrome. Identifiers: Orphanet 145, MedGen C0677776, MeSH D061325, MONDO:0003582. Disease mechanism: loss of function.
BRCA1-related cancer predisposition. Identifiers: MedGen CN377757, MONDO:0700268.
Hereditary cancer-predisposing syndrome. Also called: Tumor predisposition; Neoplastic Syndromes, Hereditary; Hereditary neoplastic syndrome; Hereditary Cancer Syndrome. Identifiers: Orphanet 140162, MedGen C0027672, MeSH D009386, MONDO:0015356.

Allele frequency attached by ClinVar (database versions not stated): gnomAD exomes below 0.00001; TOPMed below 0.00001; ExAC 0.00001; gnomAD 0.00001.
gnomAD v4.1: 5 of 1,613,972 alleles (0.00031%); highest among the groups gnomAD compares: Non-Finnish European, 0.00017%; no homozygotes.

Submissions (5):

Labcorp Genetics (formerly Invitae), Labcorp
Classification: Likely benign for Hereditary breast ovarian cancer syndrome. Last evaluated: 2025-07-09. Review status: criteria provided, single submitter. Criteria: Invitae Variant Classification Sherloc (09022015). Collection method: clinical testing. Allele origin: germline.

All of Us Research Program, National Institutes of Health
Classification: Likely benign for BRCA1-related cancer predisposition. Last evaluated: 2024-08-06. Review status: criteria provided, single submitter. Criteria: ACMG Guidelines, 2015. Collection method: clinical testing. Allele origin: germline. Inheritance: Autosomal dominant inheritance. Observed: 1 variant allele, 1 heterozygote.
Comment: This study involves interpretation of variants in research participants for the purpose of population health screening. Participant phenotype was not available at the time of variant classification. Additional details can be found in publication PMID: 35346344, PMCID: PMC8962531

Women's Health and Genetics/Laboratory Corporation of America, LabCorp
Classification: Likely benign. Last evaluated: 2023-07-02. Review status: criteria provided, single submitter. Criteria: LabCorp Variant Classification Summary - May 2015. Collection method: clinical testing. Allele origin: germline.

Ambry Genetics
Classification: Likely benign for Hereditary cancer-predisposing syndrome. Last evaluated: 2021-02-28. Review status: criteria provided, single submitter. Criteria: Ambry Variant Classification Scheme 2023. Collection method: clinical testing. Allele origin: germline.

Color Diagnostics, LLC DBA Color Health
Classification: Likely benign for Hereditary cancer-predisposing syndrome. Last evaluated: 2016-06-30. Review status: criteria provided, single submitter. Criteria: ACMG Guidelines, 2015. Collection method: clinical testing. Allele origin: germline.

NM_007294.4(BRCA1):c.3576T>C (p.Pro1192=)

Genes: BRCA1 (BRCA1 DNA repair associated; minus strand), LOC126862571 (BRD4-independent group 4 enhancer GRCh37_chr17:41243136-41244335; plus strand). Cytogenetic location: 17q21.31.
Variant type: single nucleotide variant.
Coding change: c.3576T>C on transcript NM_007294.4 (MANE Select); coding-DNA position 3576, T replaced by C.
Protein change: p.Pro1192=; no amino-acid change (proline 1192 retained).
Molecular consequence: synonymous variant. On other transcripts: intron variant (135).
Genome position (GRCh38, 1-based): chr17:43,091,955, A>G on the plus strand (T>C on the coding strand, the complement: BRCA1 is on the minus strand). VCF-style: chr17-43091955-A-G. GRCh37 (hg19) VCF-style: chr17-41243972-A-G.
Other names: c.3363T>C, p.Pro1121= (NM_001407917.1, NM_001407918.1, NM_001407853.1 and 9 more transcripts); c.3312T>C, p.Pro1104= (NM_001407923.1, NM_001407924.1, NM_001407925.1 and 9 more transcripts); c.3453T>C, p.Pro1151= (NM_001407919.1, NM_001407648.1, NM_001407664.1 and 19 more transcripts); c.3573T>C, p.Pro1191= (NM_001407861.1, NM_001407860.1, NM_001407587.1 and 22 more transcripts); c.3435T>C, p.Pro1145= (NM_001407850.1, NM_001407851.1, NM_001407852.1 and 29 more transcripts); c.3576T>C, p.Pro1192= (NM_001407854.1, NM_001407858.1, NM_001407859.1 and 30 more transcripts); c.3567T>C, p.Pro1189= (NM_001407646.1, NM_001407647.1); c.3450T>C, p.Pro1150= (NM_001407649.1, NM_001407670.1, NM_001407671.1 and 11 more transcripts); and 41 more.
Identifiers: ClinVar variation 415564 (VCV000415564.18), dbSNP rs766447664, ClinGen allele CA059372.